The following is an entry in ClinVar:

ClinVar aggregate classification (germline): Uncertain significance (1 of 4 stars; one submission).

Conditions:
CEP164-related disorder. Also called: CEP164-related condition.

gnomAD v4.1: 18 of 1,614,056 alleles (0.0011%); highest among the groups gnomAD compares: Non-Finnish European, 0.0013%; no homozygotes.

Submission:

PreventionGenetics, part of Exact Sciences
Classification: Uncertain significance for CEP164-related condition. Last evaluated: 2026-07-13. Review status: criteria provided, single submitter. Criteria: ACMG Guidelines, 2015. Collection method: clinical testing. Allele origin: germline.
Comment: The CEP164 c.1174A>G variant is predicted to result in the amino acid substitution p.Met392Val. To our knowledge, this variant has not been reported in the literature. This variant is reported in 0.0035% of alleles in individuals of European (Non-Finnish) descent in gnomAD. At this time, the clinical significance of this variant is uncertain due to the absence of conclusive functional and genetic evidence.

NM_014956.5(CEP164):c.1174A>G (p.Met392Val)

Gene: CEP164 (centrosomal protein 164; plus strand). Cytogenetic location: 11q23.3.
Variant type: single nucleotide variant.
Coding change: c.1174A>G on transcript NM_014956.5 (MANE Select); coding-DNA position 1174, A replaced by G.
Protein change: p.Met392Val; replaces methionine 392 with valine.
Molecular consequence: missense variant. On other transcripts: intron variant (1).
Genome position (GRCh38, 1-based): chr11:117,373,772, A>G. VCF-style: chr11-117373772-A-G. GRCh37 (hg19) VCF-style: chr11-117244488-A-G.
Other names: c.1174A>G, p.Met392Val (NM_001271933.2, NM_001440949.1, NM_001440950.1 and 16 more transcripts); c.1096A>G, p.Met366Val (NM_001440952.1, NM_001440954.1, NM_001440955.1 and 16 more transcripts); c.1036A>G, p.Met346Val (NM_001440960.1); c.1075-1936A>G (NM_001440972.1); short protein forms M346V, M392V, M366V.
Identifiers: ClinVar variation 4983288 (VCV004983288.1).